The following is an entry in ClinVar:

ClinVar aggregate classification (germline): Pathogenic. Review status: criteria provided, single submitter (1 of 4 stars). 3 submissions from 3 submitters: Pathogenic (1). 2 of the submissions do not count toward it. Last evaluated 2022-04-14.

Conditions:
Neurodevelopmental disorder with coarse facies and mild distal skeletal abnormalities. Also called: STOLERMAN NEURODEVELOPMENTAL SYNDROME. Identifiers: MedGen C5193134, MONDO:0032790, OMIM 618505.
Neurodevelopmental abnormality. Identifiers: MedGen C4022737, HP:0012759.

Submissions (3):

GeneDx
Classification: Pathogenic. Last evaluated: 2022-04-14. Review status: criteria provided, single submitter. Criteria: GeneDx Variant Classification Process June 2021. Collection method: clinical testing. Allele origin: germline. Affected: yes.
Comment: Nonsense variant predicted to result in protein truncation or nonsense mediated decay in a gene for which loss-of-function is a known mechanism of disease; Not observed in large population cohorts (gnomAD); Has not been previously published as pathogenic or benign to our knowledge

Joint Genome Diagnostic Labs from Nijmegen and Maastricht, Radboudumc and MUMC+
Classification: Likely pathogenic for Neurodevelopmental disorder with coarse facies and mild distal skeletal abnormalities. Last evaluated: 2022-09-09. Review status: no assertion criteria provided. Collection method: research. Allele origin: de novo. Affected: yes. Not counted in ClinVar's aggregate classification.

Department of Genetics, Rouen University Hospital, Normandy Center for Genomic and Personalized Medicine
Classification: Pathogenic for Neurodevelopmental abnormality. Last evaluated: 2020-06-04. Review status: no assertion criteria provided. Collection method: clinical testing. Allele origin: de novo. Affected: yes. Not counted in ClinVar's aggregate classification.

NM_001348716.2(KDM6B):c.403C>T (p.Arg135Ter)

Gene: KDM6B (lysine demethylase 6B; plus strand). Cytogenetic location: 17p13.1.
Variant type: single nucleotide variant.
Coding change: c.403C>T on transcript NM_001348716.2 (MANE Select); coding-DNA position 403, C replaced by T.
Protein change: p.Arg135Ter; replaces arginine 135 with a stop codon.
Molecular consequence: nonsense.
Genome position (GRCh38, 1-based): chr17:7,846,244, C>T. VCF-style: chr17-7846244-C-T. GRCh37 (hg19) VCF-style: chr17-7749562-C-T.
Other names: c.403C>T, p.Arg135Ter (NM_001080424.2); c.403C>T (NM_001080424.1); short protein forms R135*.
Identifiers: ClinVar variation 984608 (VCV000984608.28), dbSNP rs957520585, ClinGen allele CA287511101.